The following is an entry in ClinVar:

ClinVar aggregate classification (germline): Pathogenic (1 of 4 stars; one submission).

Conditions:
Inborn genetic diseases. Identifiers: MedGen C0950123, MeSH D030342.

gnomAD v4.1: 1 of 1,590,042 alleles (0.000063%); highest among the groups gnomAD compares: African/African-American, 0.0014%; no homozygotes.

Submission:

Ambry Genetics
Classification: Pathogenic for Inborn genetic diseases. Last evaluated: 2024-05-09. Review status: criteria provided, single submitter. Criteria: Ambry Variant Classification Scheme 2023. Collection method: clinical testing. Allele origin: germline.
Comment: The c.430C>T (p.R144*) alteration, located in exon 4 (coding exon 4) of the SMARCC1 gene, consists of a C to T substitution at nucleotide position 430. This changes the amino acid from a arginine (R) to a stop codon at amino acid position 144. This alteration is expected to result in loss of function by premature protein truncation or nonsense-mediated mRNA decay. This variant was not reported in population-based cohorts in the Genome Aggregation Database (gnomAD). This variant was reported in a fetus with features consistent with SMARCC1-related developmental dysgenesis syndrome and reported to be inherited from an unaffected parent (Hourvitz, 2023). Based on the available evidence, this alteration is classified as pathogenic.

Literature cited by the submitters: PubMed 37639281.

NM_003074.4(SMARCC1):c.430C>T (p.Arg144Ter)

Gene: SMARCC1 (SWI/SNF related, matrix associated, actin dependent regulator of chromatin subfamily c member 1; minus strand). Cytogenetic location: 3p21.31.
Variant type: single nucleotide variant.
Coding change: c.430C>T on transcript NM_003074.4 (MANE Select); coding-DNA position 430, C replaced by T.
Protein change: p.Arg144Ter; replaces arginine 144 with a stop codon.
Molecular consequence: nonsense.
Genome position (GRCh38, 1-based): chr3:47,738,082, G>A on the plus strand (C>T on the coding strand, the complement: SMARCC1 is on the minus strand). VCF-style: chr3-47738082-G-A. GRCh37 (hg19) VCF-style: chr3-47779572-G-A.
Other names: short protein forms R144*.
Identifiers: ClinVar variation 3320826 (VCV003320826.1).